The following is an entry in ClinVar:

NM_000089.4(COL1A2):c.1512T>C (p.Pro504=)

Gene: COL1A2 (collagen type I alpha 2 chain; plus strand). Cytogenetic location: 7q21.3.
Variant type: single nucleotide variant.
Coding change: c.1512T>C on transcript NM_000089.4 (MANE Select); coding-DNA position 1512, T replaced by C.
Protein change: p.Pro504=; no amino-acid change (proline 504 retained).
Molecular consequence: synonymous variant.
Genome position (GRCh38, 1-based): chr7:94,413,091, T>C. VCF-style: chr7-94413091-T-C. GRCh37 (hg19) VCF-style: chr7-94042403-T-C.
Identifiers: ClinVar variation 2060015 (VCV002060015.6), dbSNP rs780715133, ClinGen allele CA4347091.

ClinVar aggregate classification (germline): Likely benign. Review status: criteria provided, single submitter (1 of 4 stars). 2 submissions from 2 submitters: Likely benign (1). 1 of the submissions does not count toward it. Last evaluated 2025-09-03.

Conditions:
Ehlers-Danlos syndrome, classic type, 1 (EDSCL1). Also called: EHLERS-DANLOS SYNDROME, GRAVIS TYPE; EHLERS-DANLOS SYNDROME, SEVERE CLASSIC TYPE; Ehlers-Danlos syndrome, type 1; EDS I; Ehlers-Danlos Syndrome, Classic Type, COL5A1-Related. Identifiers: MedGen C0268335, MONDO:0019567, OMIM 130000.
Osteogenesis imperfecta type I (OI1). Also called: OI, TYPE I; OSTEOGENESIS IMPERFECTA TARDA; OSTEOGENESIS IMPERFECTA WITH BLUE SCLERAE; Osteogenesis imperfecta type 1; Lobstein's Disease; Lobstein disease. Identifiers: Orphanet 216796, Orphanet 666, MedGen C0023931, MONDO:0008146, OMIM 166200. Disease mechanism: loss of function.
COL1A2-related disorder. Also called: COL1A2-related condition; COL1A2-Related Disorders.

Allele frequency attached by ClinVar (database versions not stated): gnomAD exomes 0.00001; ExAC 0.00001; gnomAD 0.00001; TOPMed 0.00002.
gnomAD v4.1: 19 of 1,614,084 alleles (0.0012%); highest among the groups gnomAD compares: Non-Finnish European, 0.0016%; no homozygotes.

Submissions (2):

Labcorp Genetics (formerly Invitae), Labcorp
Classification: Likely benign for Osteogenesis imperfecta type I; Ehlers-Danlos syndrome, classic type, 1. Last evaluated: 2025-09-03. Review status: criteria provided, single submitter. Criteria: Invitae Variant Classification Sherloc (09022015). Collection method: clinical testing. Allele origin: germline.

PreventionGenetics, part of Exact Sciences
Classification: Likely benign for COL1A2-related condition. Last evaluated: 2024-02-14. Review status: no assertion criteria provided. Collection method: clinical testing. Allele origin: germline. Not counted in ClinVar's aggregate classification.
Comment: This variant is classified as likely benign based on ACMG/AMP sequence variant interpretation guidelines (Richards et al. 2015 PMID: 25741868, with internal and published modifications).